The following is an entry in ClinVar:

ClinVar aggregate classification (germline): Benign. Review status: criteria provided, multiple submitters, no conflicts (2 of 4 stars). 6 submissions from 6 submitters: Benign (4). 2 of the submissions do not count toward it. Last evaluated 2020-03-10.

Conditions:
Chitotriosidase deficiency (CHITD). Identifiers: MedGen C3279902, OMIM 614122, MONDO:0013586.

Allele frequency attached by ClinVar (database versions not stated): 1000 Genomes Project 30x 0.28732; 1000 Genomes Project 0.29093; TOPMed 0.29368; gnomAD 0.29773 and 0.29831; gnomAD exomes 0.30178 and 0.30505; ExAC 0.30231.
gnomAD v4.1: 485,234 of 1,611,948 alleles (30%); highest among the groups gnomAD compares: Admixed American, 35%; 73,780 homozygotes.

Submissions (6):

GeneDx
Classification: Benign. Last evaluated: 2020-03-10. Review status: criteria provided, single submitter. Criteria: GeneDx Variant Classification Process June 2021. Collection method: clinical testing. Allele origin: germline. Affected: yes.
Comment: This variant is associated with the following publications: (PMID: 24060732, 19725875, 17000706)

Labcorp Genetics (formerly Invitae), Labcorp
Classification: Benign for Chitotriosidase deficiency. Last evaluated: 2019-12-20. Review status: criteria provided, single submitter. Criteria: Invitae Variant Classification Sherloc (09022015). Collection method: clinical testing. Allele origin: germline.

Illumina Laboratory Services, Illumina
Classification: Benign for Chitotriosidase deficiency. Last evaluated: 2018-03-06. Review status: criteria provided, single submitter. Criteria: ICSL Variant Classification Criteria 13 December 2019. Collection method: clinical testing. Allele origin: germline.
Comment: This variant was observed in the ICSL laboratory as part of a predisposition screen in an ostensibly healthy population. It had not been previously curated by ICSL or reported in the Human Gene Mutation Database (HGMD: prior to June 1st, 2018), and was therefore a candidate for classification through an automated scoring system. Utilizing variant allele frequency, disease prevalence and penetrance estimates, and inheritance mode, an automated score was calculated to assess if this variant is too frequent to cause the disease. Based on the score and internal cut-off values, a variant classified as benign is not then subjected to further curation. The score for this variant resulted in a classification of benign for this disease.

Breakthrough Genomics
Classification: Benign. Review status: criteria provided, single submitter. Criteria: ACMG Guidelines, 2015. Collection method: not provided. Allele origin: germline. Inheritance: Autosomal recessive inheritance. Affected: yes.

Mayo Clinic Laboratories, Mayo Clinic
Classification: Uncertain significance. Last evaluated: 2015-10-22. Review status: no assertion criteria provided. Collection method: clinical testing. Allele origin: unknown. Not counted in ClinVar's aggregate classification.

OMIM
Classification: Affects for CHITOTRIOSIDASE DEFICIENCY. Last evaluated: 2007-09-01. Review status: no assertion criteria provided. Collection method: literature only. Allele origin: germline. Not counted in ClinVar's aggregate classification.

Literature cited by the submitters: PubMed 17464953 (cited by OMIM).

NM_003465.3(CHIT1):c.304G>A (p.Gly102Ser)

Gene: CHIT1 (chitinase 1; minus strand). Cytogenetic location: 1q32.1.
Variant type: single nucleotide variant.
Coding change: c.304G>A on transcript NM_003465.3 (MANE Select); coding-DNA position 304, G replaced by A.
Protein change: p.Gly102Ser; replaces glycine 102 with serine.
Molecular consequence: missense variant. On other transcripts: non-coding transcript variant (2), intron variant (1).
Genome position (GRCh38, 1-based): chr1:203,225,058, C>T on the plus strand (G>A on the coding strand, the complement: CHIT1 is on the minus strand). VCF-style: chr1-203225058-C-T. GRCh37 (hg19) VCF-style: chr1-203194186-C-T.
Other names: c.257+611G>A (NM_001256125.2); short protein forms G102S.
Identifiers: ClinVar variation 9526 (VCV000009526.19), dbSNP rs2297950, ClinGen allele CA120508.